The following is an entry in ClinVar:

NC_000017.10:g.(?_3543501)_(3552245_?)del

Gene: CTNS (cystinosin, lysosomal cystine transporter; plus strand). Cytogenetic location: 17p13.2.
Variant type: Deletion.
Identifiers: ClinVar variation 2425240 (VCV002425240.4).

ClinVar aggregate classification (germline): Pathogenic (1 of 4 stars; one submission).

Conditions:
Inborn genetic diseases. Identifiers: MedGen C0950123, MeSH D030342.
Juvenile nephropathic cystinosis. Also called: Intermediate Cystinosis; CYSTINOSIS, LATE-ONSET JUVENILE OR ADOLESCENT NEPHROPATHIC TYPE; Later-Onset (Juvenile) Cystinosis. Identifiers: Orphanet 213, Orphanet 411634, MedGen C0268626, MONDO:0009066, OMIM 219900.
Ocular cystinosis. Also called: Non-Nephropathic Cystinosis; Non-Nephropathic (Ocular) Cystinosis. Identifiers: Orphanet 213, Orphanet 411641, MedGen C2931013, MONDO:0009064, OMIM 219750.

Submission:

Labcorp Genetics (formerly Invitae), Labcorp
Classification: Pathogenic for Inborn genetic diseases; Ocular cystinosis; Juvenile nephropathic cystinosis. Last evaluated: 2021-12-06. Review status: criteria provided, single submitter. Criteria: Invitae Variant Classification Sherloc (09022015). Collection method: clinical testing. Allele origin: germline.
Comment: This variant has not been reported in the literature in individuals affected with CTNS-related conditions. This variant is a gross deletion of the genomic region encompassing exon(s) 3-5 of the CTNS gene, which includes the initiator codon. This deletion extends beyond the assayed region for this gene and therefore may encompass additional genes. It is expected to result in an absent or disrupted protein product. Loss-of-function variants in CTNS are known to be pathogenic (PMID: 9537412, 27102039). For these reasons, this variant has been classified as Pathogenic.

Literature cited by the submitters: PubMed 9537412; PubMed 27102039.